The following is an entry in ClinVar:

NM_207346.3(TSEN54):c.16G>C (p.Glu6Gln)

Genes: TSEN54 (tRNA splicing endonuclease subunit 54; plus strand), LOC112533671 (Sharpr-MPRA regulatory region 12010; plus strand). Cytogenetic location: 17q25.1.
Variant type: single nucleotide variant.
Coding change: c.16G>C on transcript NM_207346.3 (MANE Select); coding-DNA position 16, G replaced by C.
Protein change: p.Glu6Gln; replaces glutamic acid 6 with glutamine.
Molecular consequence: missense variant.
Genome position (GRCh38, 1-based): chr17:75,516,576, G>C. VCF-style: chr17-75516576-G-C. GRCh37 (hg19) VCF-style: chr17-73512657-G-C.
Other names: short protein forms E6Q.
Identifiers: ClinVar variation 890764 (VCV000890764.5), dbSNP rs1377971286, ClinGen allele CA401026814.

ClinVar aggregate classification (germline): Uncertain significance. Review status: criteria provided, multiple submitters, no conflicts (2 of 4 stars). 2 submissions from 2 submitters: Uncertain significance (2). Last evaluated 2022-09-01.

Conditions:
Pontoneocerebellar hypoplasia. Also called: Pontocerebellar hypoplasia; Non-syndromic pontocerebellar hypoplasia. Identifiers: Orphanet 98523, MedGen C1261175, MONDO:0020135.

Allele frequency attached by ClinVar (database versions not stated): 1000 Genomes Project 30x 0.00031.

Submissions (2):

Labcorp Genetics (formerly Invitae), Labcorp
Classification: Uncertain significance. Last evaluated: 2022-09-01. Review status: criteria provided, single submitter. Criteria: Invitae Variant Classification Sherloc (09022015). Collection method: clinical testing. Allele origin: germline.
Comment: This sequence change replaces glutamic acid, which is acidic and polar, with glutamine, which is neutral and polar, at codon 6 of the TSEN54 protein (p.Glu6Gln). This variant is not present in population databases (gnomAD no frequency). This variant has not been reported in the literature in individuals affected with TSEN54-related conditions. ClinVar contains an entry for this variant (Variation ID: 890764). Algorithms developed to predict the effect of missense changes on protein structure and function are either unavailable or do not agree on the potential impact of this missense change (SIFT: "Tolerated"; PolyPhen-2: "Not Available"; Align-GVGD: "Class C0"). In summary, the available evidence is currently insufficient to determine the role of this variant in disease. Therefore, it has been classified as a Variant of Uncertain Significance.

Illumina Laboratory Services, Illumina
Classification: Uncertain significance for Pontoneocerebellar hypoplasia. Last evaluated: 2018-01-12. Review status: criteria provided, single submitter. Criteria: ICSL Variant Classification Criteria 13 December 2019. Collection method: clinical testing. Allele origin: germline.